The following is an entry in ClinVar:

NM_000138.5(FBN1):c.1216del (p.Gly407fs)

Gene: FBN1 (fibrillin 1; minus strand). Cytogenetic location: 15q21.1.
Variant type: Deletion.
Coding change: c.1216del on transcript NM_000138.5 (MANE Select); coding-DNA position 1216, one base deleted (C; older notation c.1216delC).
Protein change: p.Gly407fs; shifts the reading frame from glycine 407.
Molecular consequence: frameshift variant.
Genome position (GRCh38, 1-based): chr15:48,516,294, G deleted on the plus strand (C on the coding strand, the reverse complement: FBN1 is on the minus strand); the first of 4 consecutive G bases (chr15:48,516,294-48,516,297); deleting any one gives the same sequence. VCF-style (leftmost placement, unchanged base first): chr15-48516293-AG-A. GRCh37 (hg19) VCF-style: chr15-48808490-AG-A.
Other names: short protein forms G407fs.
Identifiers: ClinVar variation 1422238 (VCV001422238.8), dbSNP rs2141331057, ClinGen allele CA2573150773.

ClinVar aggregate classification (germline): Pathogenic. Review status: criteria provided, multiple submitters, no conflicts (2 of 4 stars). 2 submissions from 2 submitters: Pathogenic (2). Last evaluated 2021-06-16.

Conditions:
Familial thoracic aortic aneurysm and aortic dissection (TAAD). Also called: Thoracic aortic aneurysms and dissections. Identifiers: Orphanet 91387, MedGen C4707243, MONDO:0019625.
Marfan syndrome (MFS). Also called: MARFAN SYNDROME, TYPE I; Marfan syndrome type 1; Marfan's syndrome; Marfan syndrome, classic; FBN1-Related Marfan Syndrome. Identifiers: Orphanet 284963, Orphanet 558, MedGen C0024796, MONDO:0007947, OMIM 154700.

Submissions (2):

Labcorp Genetics (formerly Invitae), Labcorp
Classification: Pathogenic for Marfan syndrome; Familial thoracic aortic aneurysm and aortic dissection. Last evaluated: 2021-06-16. Review status: criteria provided, single submitter. Criteria: Invitae Variant Classification Sherloc (09022015). Collection method: clinical testing. Allele origin: germline.
Comment: For these reasons, this variant has been classified as Pathogenic. This variant has not been reported in the literature in individuals with FBN1-related conditions. This variant is not present in population databases (ExAC no frequency). This sequence change creates a premature translational stop signal (p.Gly407Alafs*41) in the FBN1 gene. It is expected to result in an absent or disrupted protein product. Loss-of-function variants in FBN1 are known to be pathogenic (PMID: 17657824, 19293843).

Ambry Genetics
Classification: Pathogenic for Familial thoracic aortic aneurysm and aortic dissection. Last evaluated: 2016-11-04. Review status: criteria provided, single submitter. Criteria: Ambry Variant Classification Scheme 2023. Collection method: clinical testing. Allele origin: germline.
Comment: The c.1216delC pathogenic mutation, located in coding exon 10 of the FBN1 gene, results from a deletion of one nucleotide at nucleotide position 1216, causing a translational frameshift with a predicted alternate stop codon (p.G407Afs*41). This alteration is expected to result in loss of function by premature protein truncation or nonsense-mediated mRNA decay. As such, this alteration is interpreted as a disease-causing mutation.

Literature cited by the submitters: PubMed 17657824 (cited by Labcorp Genetics (formerly Invitae), Labcorp); PubMed 19293843 (cited by Labcorp Genetics (formerly Invitae), Labcorp).